The following is an entry in ClinVar:

ClinVar aggregate classification (germline): Uncertain significance (1 of 4 stars; one submission).

Submission:

GeneDx
Classification: Uncertain significance. Last evaluated: 2025-07-30. Review status: criteria provided, single submitter. Criteria: GeneDx Variant Classification Process June 2021. Collection method: clinical testing. Allele origin: germline. Affected: yes.
Comment: Not observed at significant frequency in large population cohorts (gnomAD); In silico analysis suggests that this missense variant does not alter protein structure/function; Has not been previously published as pathogenic or benign to our knowledge

NM_194248.3(OTOF):c.4127G>C (p.Arg1376Thr)

Gene: OTOF (otoferlin; minus strand). Cytogenetic location: 2p23.3.
Variant type: single nucleotide variant.
Coding change: c.4127G>C on transcript NM_194248.3 (MANE Select); coding-DNA position 4127, G replaced by C.
Protein change: p.Arg1376Thr; replaces arginine 1376 with threonine.
Molecular consequence: missense variant.
Genome position (GRCh38, 1-based): chr2:26,467,465, C>G on the plus strand (G>C on the coding strand, the complement: OTOF is on the minus strand). VCF-style: chr2-26467465-C-G. GRCh37 (hg19) VCF-style: chr2-26690333-C-G.
Other names: c.2057G>C, p.Arg686Thr (NM_194322.3); c.1826G>C, p.Arg609Thr (NM_194323.3, NM_004802.4); c.4127G>C, p.Arg1376Thr (NM_001287489.2); short protein forms R1376T, R609T, R686T.
Identifiers: ClinVar variation 4690033 (VCV004690033.1).